The following is an entry in ClinVar:

ClinVar aggregate classification (germline): Uncertain significance. Review status: criteria provided, multiple submitters, no conflicts (2 of 4 stars). 3 submissions from 3 submitters: Uncertain significance (3). Last evaluated 2025-11-03.

Conditions:
DIS3L2-related disorder. Also called: DIS3L2-related condition.
Perlman syndrome (PRLMNS). Identifiers: Orphanet 2849, MedGen C0796113, MONDO:0009965, OMIM 267000.
Inborn genetic diseases. Identifiers: MedGen C0950123, MeSH D030342.

Allele frequency attached by ClinVar (database versions not stated): gnomAD exomes 0.00001; ExAC 0.00002; gnomAD 0.00002 and 0.00003; TOPMed 0.00002.
gnomAD v4.1: 16 of 1,611,952 alleles (0.00099%); highest among the groups gnomAD compares: Non-Finnish European, 0.0013%; no homozygotes.

Submissions (3):

Ambry Genetics
Classification: Uncertain significance for Inborn genetic diseases. Last evaluated: 2025-11-03. Review status: criteria provided, single submitter. Criteria: Ambry Variant Classification Scheme 2023. Collection method: clinical testing. Allele origin: germline.

Labcorp Genetics (formerly Invitae), Labcorp
Classification: Uncertain significance for Perlman syndrome. Last evaluated: 2025-04-28. Review status: criteria provided, single submitter. Criteria: Invitae Variant Classification Sherloc (09022015). Collection method: clinical testing. Allele origin: germline.
Comment: This sequence change replaces arginine, which is basic and polar, with cysteine, which is neutral and slightly polar, at codon 713 of the DIS3L2 protein (p.Arg713Cys). The frequency data for this variant in the population databases is considered unreliable, as metrics indicate poor data quality at this position in the gnomAD database. This variant has not been reported in the literature in individuals affected with DIS3L2-related conditions. ClinVar contains an entry for this variant (Variation ID: 579206). Invitae Evidence Modeling of protein sequence and biophysical properties (such as structural, functional, and spatial information, amino acid conservation, physicochemical variation, residue mobility, and thermodynamic stability) indicates that this missense variant is expected to disrupt DIS3L2 protein function with a positive predictive value of 80%. In summary, the available evidence is currently insufficient to determine the role of this variant in disease. Therefore, it has been classified as a Variant of Uncertain Significance.

PreventionGenetics, part of Exact Sciences
Classification: Uncertain significance for DIS3L2-related condition. Last evaluated: 2022-11-09. Review status: criteria provided, single submitter. Criteria: ACMG Guidelines, 2015. Collection method: clinical testing. Allele origin: germline.
Comment: The DIS3L2 c.2137C>T variant is predicted to result in the amino acid substitution p.Arg713Cys. To our knowledge, this variant has not been reported in the literature. This variant is reported in 0.0039% of alleles in individuals of European (Non-Finnish) descent in gnomAD. At this time, the clinical significance of this variant is uncertain due to the absence of conclusive functional and genetic evidence.

NM_152383.5(DIS3L2):c.2137C>T (p.Arg713Cys)

Gene: DIS3L2 (DIS3 like 3'-5' exoribonuclease 2; plus strand). Cytogenetic location: 2q37.1.
Variant type: single nucleotide variant.
Coding change: c.2137C>T on transcript NM_152383.5 (MANE Select); coding-DNA position 2137, C replaced by T.
Protein change: p.Arg713Cys; replaces arginine 713 with cysteine.
Molecular consequence: missense variant. On other transcripts: non-coding transcript variant (2), intron variant (1).
Genome position (GRCh38, 1-based): chr2:232,333,966, C>T. VCF-style: chr2-232333966-C-T. GRCh37 (hg19) VCF-style: chr2-233198676-C-T.
Other names: c.1582-9379C>T (NM_001257281.2); short protein forms R713C.
Identifiers: ClinVar variation 579206 (VCV000579206.11), dbSNP rs756694951, ClinGen allele CA2164401.